The following is an entry in ClinVar:

ClinVar aggregate classification (germline): Conflicting classifications of pathogenicity. Review status: criteria provided, conflicting classifications (1 of 4 stars). 3 submissions from 3 submitters: Uncertain significance (2); Likely benign (1). Last evaluated 2026-01-28.

Conditions:
Inborn genetic diseases. Identifiers: MedGen C0950123, MeSH D030342.

Allele frequency attached by ClinVar (database versions not stated): gnomAD 0.00007; TOPMed 0.00008; gnomAD exomes 0.00013; ExAC 0.00030.
gnomAD v4.1: 192 of 1,614,062 alleles (0.012%); highest among the groups gnomAD compares: Non-Finnish European, 0.015%; no homozygotes.

Submissions (3):

Labcorp Genetics (formerly Invitae), Labcorp
Classification: Uncertain significance. Last evaluated: 2026-01-28. Review status: criteria provided, single submitter. Criteria: Invitae Variant Classification Sherloc (09022015). Collection method: clinical testing. Allele origin: germline.
Comment: This sequence change replaces valine, which is neutral and non-polar, with leucine, which is neutral and non-polar, at codon 188 of the GRIN2D protein (p.Val188Leu). The frequency data for this variant in the population databases is considered unreliable, as metrics indicate poor data quality at this position in the gnomAD database. This variant has not been reported in the literature in individuals affected with GRIN2D-related conditions. ClinVar contains an entry for this variant (Variation ID: 1405856). Invitae Evidence Modeling of protein sequence and biophysical properties (such as structural, functional, and spatial information, amino acid conservation, physicochemical variation, residue mobility, and thermodynamic stability) indicates that this missense variant is not expected to disrupt GRIN2D protein function with a negative predictive value of 80%. In summary, the available evidence is currently insufficient to determine the role of this variant in disease. Therefore, it has been classified as a Variant of Uncertain Significance.

Women's Health and Genetics/Laboratory Corporation of America, LabCorp
Classification: Uncertain significance. Last evaluated: 2025-04-21. Review status: criteria provided, single submitter. Criteria: LabCorp Variant Classification Summary - May 2015. Collection method: clinical testing. Allele origin: germline.
Comment: Variant summary: GRIN2D c.562G>T (p.Val188Leu) results in a conservative amino acid change in the encoded protein sequence. Four of five in-silico tools predict a benign effect of the variant on protein function. The frequency data for this variant in gnomAD is considered unreliable, as metrics indicate poor data quality at this position. To our knowledge, no occurrence of c.562G>T in individuals affected with Epileptic Encephalopathy, Early Infantile, 46 and no experimental evidence demonstrating its impact on protein function have been reported. ClinVar contains an entry for this variant (Variation ID: 1405856). Based on the evidence outlined above, the variant was classified as uncertain significance.

Ambry Genetics
Classification: Likely benign for Inborn genetic diseases. Last evaluated: 2023-04-17. Review status: criteria provided, single submitter. Criteria: Ambry Variant Classification Scheme 2023. Collection method: clinical testing. Allele origin: germline.

NM_000836.4(GRIN2D):c.562G>T (p.Val188Leu)

Gene: GRIN2D (glutamate ionotropic receptor NMDA type subunit 2D; plus strand). Cytogenetic location: 19q13.33.
Variant type: single nucleotide variant.
Coding change: c.562G>T on transcript NM_000836.4 (MANE Select); coding-DNA position 562, G replaced by T.
Protein change: p.Val188Leu; replaces valine 188 with leucine.
Molecular consequence: missense variant.
Genome position (GRCh38, 1-based): chr19:48,404,830, G>T. VCF-style: chr19-48404830-G-T. GRCh37 (hg19) VCF-style: chr19-48908087-G-T.
Other names: c.562G>T (NM_000836.2); short protein forms V188L.
Identifiers: ClinVar variation 1405856 (VCV001405856.9), dbSNP rs77520296, ClinGen allele CA9550344.